The following is an entry in ClinVar:

ClinVar aggregate classification (germline): Uncertain significance (1 of 4 stars; one submission).

Conditions:
Aortic valve disease 2 (AOVD2). Identifiers: MedGen C3542024, MONDO:0013902, OMIM 614823.

Submission:

Labcorp Genetics (formerly Invitae), Labcorp
Classification: Uncertain significance for Aortic valve disease 2. Last evaluated: 2023-09-01. Review status: criteria provided, single submitter. Criteria: Invitae Variant Classification Sherloc (09022015). Collection method: clinical testing. Allele origin: germline.
Comment: In summary, the available evidence is currently insufficient to determine the role of this variant in disease. Therefore, it has been classified as a Variant of Uncertain Significance. This variant has not been reported in the literature in individuals affected with SMAD6-related conditions. This variant is not present in population databases (gnomAD no frequency). This sequence change results in a frameshift in the SMAD6 gene (p.Pro450Argfs*114). While this is not anticipated to result in nonsense mediated decay, it is expected to disrupt the last 47 amino acid(s) of the SMAD6 protein and extend the protein by 66 additional amino acid residues.

NM_005585.5(SMAD6):c.1347_1348del (p.Pro450fs)

Gene: SMAD6 (SMAD family member 6; plus strand). Cytogenetic location: 15q22.31.
Variant type: Microsatellite.
Coding change: c.1347_1348del on transcript NM_005585.5 (MANE Select); coding-DNA positions 1347 to 1348, 2 bases deleted (GC; older notation c.1347_1348delGC).
Protein change: p.Pro450fs; shifts the reading frame from proline 450.
Molecular consequence: frameshift variant. On other transcripts: non-coding transcript variant (1).
Genome position (GRCh38, 1-based): chr15:66,781,391-66,781,392, GC deleted; deleting any 2 consecutive bases within chr15:66,781,388-66,781,392 gives the same sequence; the c. name uses the placement nearest the transcript's 3' end. VCF-style (leftmost placement, unchanged base first): chr15-66781387-ACG-A. GRCh37 (hg19) VCF-style: chr15-67073725-ACG-A.
Other names: short protein forms P450fs.
Identifiers: ClinVar variation 2757250 (VCV002757250.3), dbSNP rs2541899268, ClinGen allele CA2697549150.